The following is an entry in ClinVar:

ClinVar aggregate classification (germline): Benign/Likely benign. Review status: criteria provided, multiple submitters, no conflicts (2 of 4 stars). 3 submissions from 3 submitters: Benign (1); Likely benign (2). Last evaluated 2025-07-14.

Conditions:
Aortic aneurysm, familial thoracic 4 (AAT4). Also called: AORTIC ANEURYSM/AORTIC DISSECTION AND PATENT DUCTUS ARTERIOSUS. Identifiers: MedGen C1851504, MONDO:0007568, OMIM 132900.

Allele frequency attached by ClinVar (database versions not stated): gnomAD exomes below 0.00001; ExAC 0.00001; gnomAD 0.00002; TOPMed 0.00002; ESP Exome Variant Server 0.00008.
gnomAD v4.1: 4 of 1,613,974 alleles (0.00025%); highest among the groups gnomAD compares: African/African-American, 0.0053%; no homozygotes.

Submissions (3):

Labcorp Genetics (formerly Invitae), Labcorp
Classification: Likely benign for Aortic aneurysm, familial thoracic 4. Last evaluated: 2025-07-14. Review status: criteria provided, single submitter. Criteria: Invitae Variant Classification Sherloc (09022015). Collection method: clinical testing. Allele origin: germline.

Blueprint Genetics
Classification: Likely benign. Last evaluated: 2022-09-21. Review status: criteria provided, single submitter. Criteria: ACMG Guidelines, 2015. Collection method: clinical testing. Allele origin: germline.

GeneDx
Classification: Benign. Last evaluated: 2014-06-25. Review status: criteria provided, single submitter. Criteria: GeneDx Variant Classification (06012015). Collection method: clinical testing. Allele origin: germline. Affected: yes.
Comment: This variant is considered likely benign or benign based on one or more of the following criteria: it is a conservative change, it occurs at a poorly conserved position in the protein, it is predicted to be benign by multiple in silico algorithms, and/or has population frequency not consistent with disease.

NM_002474.3(MYH11):c.4953+18C>T

Genes: MYH11 (myosin heavy chain 11; minus strand), NDE1 (nudE neurodevelopment protein 1; plus strand). Cytogenetic location: 16p13.11.
Variant type: single nucleotide variant.
Coding change: c.4953+18C>T on transcript NM_002474.3 (MANE Select); 18 bases into the intron after coding-DNA position 4953, C replaced by T.
Molecular consequence: intron variant.
Genome position (GRCh38, 1-based): chr16:15,720,133, G>A on the plus strand (C>T on the coding strand, the complement: MYH11 is on the minus strand). VCF-style: chr16-15720133-G-A. GRCh37 (hg19) VCF-style: chr16-15813990-G-A.
Other names: c.948-4058G>A (NM_001143979.2, NM_017668.3); c.4953+18C>T (NM_022844.3); c.4974+18C>T (NM_001040114.2, NM_001040113.2).
Identifiers: ClinVar variation 201035 (VCV000201035.3), dbSNP rs371462392, ClinGen allele CA306462.